The following is an entry in ClinVar:

NM_006506.5(RASA2):c.755A>C (p.Glu252Ala)

Gene: RASA2 (RAS p21 protein activator 2; plus strand). Cytogenetic location: 3q23.
Variant type: single nucleotide variant.
Coding change: c.755A>C on transcript NM_006506.5 (MANE Select); coding-DNA position 755, A replaced by C.
Protein change: p.Glu252Ala; replaces glutamic acid 252 with alanine.
Molecular consequence: missense variant.
Genome position (GRCh38, 1-based): chr3:141,558,956, A>C. VCF-style: chr3-141558956-A-C. GRCh37 (hg19) VCF-style: chr3-141277798-A-C.
Other names: c.755A>C, p.Glu252Ala (NM_001303245.3, NM_001303246.3); short protein forms E252A.
Identifiers: ClinVar variation 4703685 (VCV004703685.1).

ClinVar aggregate classification (germline): Uncertain significance (1 of 4 stars; one submission).

Submission:

Labcorp Genetics (formerly Invitae), Labcorp
Classification: Uncertain significance. Last evaluated: 2025-08-29. Review status: criteria provided, single submitter. Criteria: Invitae Variant Classification Sherloc (09022015). Collection method: clinical testing. Allele origin: germline.
Comment: This sequence change replaces glutamic acid, which is acidic and polar, with alanine, which is neutral and non-polar, at codon 252 of the RASA2 protein (p.Glu252Ala). This variant is not present in population databases (gnomAD no frequency). This variant has not been reported in the literature in individuals affected with RASA2-related conditions. Invitae Evidence Modeling of protein sequence and biophysical properties (such as structural, functional, and spatial information, amino acid conservation, physicochemical variation, residue mobility, and thermodynamic stability) has been performed for this missense variant. However, the output from this modeling did not meet the statistical confidence thresholds required to predict the impact of this variant on RASA2 protein function. In summary, the available evidence is currently insufficient to determine the role of this variant in disease. Therefore, it has been classified as a Variant of Uncertain Significance.